The following is an entry in ClinVar:

NM_006019.4(TCIRG1):c.283C>A (p.Leu95Met)

Gene: TCIRG1 (T cell immune regulator 1, ATPase H+ transporting V0 subunit a3; plus strand). Cytogenetic location: 11q13.2.
Variant type: single nucleotide variant.
Coding change: c.283C>A on transcript NM_006019.4 (MANE Select); coding-DNA position 283, C replaced by A.
Protein change: p.Leu95Met; replaces leucine 95 with methionine.
Molecular consequence: missense variant. On other transcripts: 5 prime UTR variant (1).
Genome position (GRCh38, 1-based): chr11:68,042,729, C>A. VCF-style: chr11-68042729-C-A. GRCh37 (hg19) VCF-style: chr11-67810196-C-A.
Other names: c.-967C>A (NM_001351059.2); short protein forms L95M.
Identifiers: ClinVar variation 2873712 (VCV002873712.3), dbSNP rs1317644313, ClinGen allele CA381575702.

ClinVar aggregate classification (germline): Uncertain significance (1 of 4 stars; one submission).

Allele frequency attached by ClinVar (database versions not stated): gnomAD exomes below 0.00001; TOPMed below 0.00001.
gnomAD v4.1: 1 of 1,546,894 alleles (0.000065%); highest among the groups gnomAD compares: Non-Finnish European, 0.000087%; no homozygotes.

Submission:

Labcorp Genetics (formerly Invitae), Labcorp
Classification: Uncertain significance. Last evaluated: 2025-09-19. Review status: criteria provided, single submitter. Criteria: Invitae Variant Classification Sherloc (09022015). Collection method: clinical testing. Allele origin: germline.
Comment: This sequence change replaces leucine, which is neutral and non-polar, with methionine, which is neutral and non-polar, at codon 95 of the TCIRG1 protein (p.Leu95Met). This variant is not present in population databases (gnomAD no frequency). This variant has not been reported in the literature in individuals affected with TCIRG1-related conditions. ClinVar contains an entry for this variant (Variation ID: 2873712). Invitae Evidence Modeling of protein sequence and biophysical properties (such as structural, functional, and spatial information, amino acid conservation, physicochemical variation, residue mobility, and thermodynamic stability) indicates that this missense variant is not expected to disrupt TCIRG1 protein function with a negative predictive value of 80%. In summary, the available evidence is currently insufficient to determine the role of this variant in disease. Therefore, it has been classified as a Variant of Uncertain Significance.